The following is an entry in ClinVar:

NM_003041.4(SLC5A2):c.1205G>A (p.Ser402Asn)

Gene: SLC5A2 (solute carrier family 5 member 2; plus strand). Cytogenetic location: 16p11.2.
Variant type: single nucleotide variant.
Coding change: c.1205G>A on transcript NM_003041.4 (MANE Select); coding-DNA position 1205, G replaced by A.
Protein change: p.Ser402Asn; replaces serine 402 with asparagine.
Molecular consequence: missense variant.
Genome position (GRCh38, 1-based): chr16:31,488,697, G>A. VCF-style: chr16-31488697-G-A. GRCh37 (hg19) VCF-style: chr16-31500018-G-A.
Other names: short protein forms S402N.
Identifiers: ClinVar variation 3580336 (VCV003580336.5).

ClinVar aggregate classification (germline): Uncertain significance. Review status: criteria provided, multiple submitters, no conflicts (2 of 4 stars). 2 submissions from 2 submitters: Uncertain significance (2). Last evaluated 2026-01-01.

Conditions:
Familial renal glucosuria (GLYS). Also called: Familial renal glycosuria; RENAL GLUCOSURIA, AUTOSOMAL DOMINANT. Identifiers: Orphanet 69076, MedGen C3245525, MONDO:0009297, OMIM 233100.

Submissions (2):

CeGaT Center for Human Genetics Tuebingen
Classification: Uncertain significance. Last evaluated: 2026-01-01. Review status: criteria provided, single submitter. Criteria: CeGaT Center For Human Genetics Tuebingen Variant Classification Criteria Version 2. Collection method: clinical testing. Allele origin: germline. Affected: yes. Observed: 1 variant allele.
Comment: SLC5A2: PM2, PP3

Fulgent Genetics
Classification: Uncertain significance for Familial renal glucosuria. Last evaluated: 2024-03-31. Review status: criteria provided, single submitter. Criteria: ACMG Guidelines, 2015. Collection method: clinical testing. Allele origin: germline.